The following is an entry in ClinVar:

NM_020061.6(OPN1LW):c.920C>T (p.Pro307Leu)

Gene: OPN1LW (opsin 1, long wave sensitive; plus strand). Cytogenetic location: Xq28.
Variant type: single nucleotide variant.
Coding change: c.920C>T on transcript NM_020061.6 (MANE Select); coding-DNA position 920, C replaced by T.
Protein change: p.Pro307Leu; replaces proline 307 with leucine.
Molecular consequence: missense variant.
Genome position (GRCh38, 1-based): chrX:154,156,469, C>T. VCF-style: chrX-154156469-C-T. GRCh37 (hg19) VCF-style: chrX-153421944-C-T.
Other names: short protein forms P307L.
Identifiers: ClinVar variation 1700833 (VCV001700833.4), dbSNP rs782797093, ClinGen allele CA10558930.

ClinVar aggregate classification (germline): Uncertain significance. Review status: criteria provided, multiple submitters, no conflicts (2 of 4 stars). 2 submissions from 2 submitters: Uncertain significance (2). Last evaluated 2022-02-07.

Conditions:
Cone monochromatism (BCM). Also called: Blue cone monochromacy; Incomplete achromatopsia; Color blindness blue mono cone monochromatic type; X-chromosome-linked achromatopsia. Identifiers: Orphanet 16, MedGen C0339537, MONDO:0010563, OMIM 303700, HP:0007939. Disease mechanism: loss of function.

Allele frequency attached by ClinVar (database versions not stated): TOPMed below 0.00001; ExAC 0.00001; gnomAD exomes 0.00001.
gnomAD v4.1: 8 of 1,204,831 alleles (0.00066%); highest among the groups gnomAD compares: Admixed American, 0.0022%; no homozygotes.

Submissions (2):

GeneDx
Classification: Uncertain significance. Last evaluated: 2022-02-07. Review status: criteria provided, single submitter. Criteria: GeneDx Variant Classification Process June 2021. Collection method: clinical testing. Allele origin: germline. Affected: yes.
Comment: Variant observed in a patient with severe congenital color blindness in the literature (Nathans et al., 1993); In silico analysis supports that this missense variant has a deleterious effect on protein structure/function; This variant is associated with the following publications: (PMID: 8213841)

Juno Genomics, Hangzhou Juno Genomics, Inc
Classification: Uncertain significance for Cone monochromatism. Review status: criteria provided, single submitter. Criteria: ACMG Guidelines, 2015. Collection method: clinical testing. Allele origin: germline. Affected: yes.
Comment: Absent from controls (or at extremely low frequency if recessive) in Genome Aggregation Database, Exome Sequencing Project, 1000 Genomes Project, or Exome Aggregation Consortium.;Multiple lines of computational evidence support a deleterious effect on the gene or gene product (conservation, evolutionary, splicing impact, etc).;The prevalence of the variant in affected individuals is significantly increased compared to the prevalence in controls.;Patient's phenotype or family history is highly specific for a disease with a single genetic etiology.